The following is an entry in ClinVar:

NM_020469.3(ABO):c.[1_5dup;297A>C526C>G657C>T703G>A796C>A803G>C930G>A]

Variant type: Haplotype.
Identifiers: ClinVar variation 2573152 (VCV002573152.2).

ClinVar aggregate classification (germline): Benign (0 of 4 stars; one submission).

Conditions:
Severely weakened expression of B on erythrocytes.

Submission:

Division of Hematology and Transfusion Medicine, Lund University
Classification: Benign for Severely weakened expression of B on erythrocytes. Last evaluated: 2023-07-12. Review status: no assertion criteria provided. Collection method: clinical testing. Allele origin: somatic. Affected: yes. Observed: 2 variant alleles.
Comment: c.1_5dup resulting in p.Glu3Trpfs*20 on the ABO*B.01 allele (AB844269.1).